The following is an entry in ClinVar:

NM_000143.4(FH):c.739-23_739-19del

Gene: FH (fumarate hydratase; minus strand). Cytogenetic location: 1q43.
Variant type: Deletion.
Coding change: c.739-23_739-19del on transcript NM_000143.4 (MANE Select); 23 bases into the intron before coding-DNA position 739 through 19 bases into the intron before coding-DNA position 739, 5 bases deleted (CCTTA; older notation c.739-23_739-19delCCTTA).
Molecular consequence: intron variant.
Genome position (GRCh38, 1-based): chr1:241,506,187-241,506,191, TAAGG deleted on the plus strand (CCTTA on the coding strand, the reverse complement: FH is on the minus strand); deleting any 5 consecutive bases within chr1:241,506,187-241,506,195 gives the same sequence; the c. name uses the placement nearest the transcript's 3' end. VCF-style (leftmost placement, unchanged base first): chr1-241506186-TTAAGG-T. GRCh37 (hg19) VCF-style: chr1-241669486-TTAAGG-T.
Identifiers: ClinVar variation 3773315 (VCV003773315.1).
Genomic context (GRCh38, chr1:241,506,186, plus strand): 5'-TTGTCATTGCATATTTTACTTGTTGAACATAACCACTAAATTCCTGAAAAGAAAAGAAAA[TTAAGG>T]TAAGAATAAGTAATTCCTAATAGCTTACAAGTTACTCTAACTGCATTAAATAGAAATTTT-3'

ClinVar aggregate classification (germline): Benign (1 of 4 stars; one submission).

Conditions:
Hereditary leiomyomatosis and renal cell cancer. Also called: MULTIPLE CUTANEOUS AND UTERINE LEIOMYOMATA 1, WITH OR WITHOUT RENAL CELL CARCINOMA; LEIOMYOMA, MULTIPLE CUTANEOUS; FH tumor predisposition syndrome; Reed syndrome; Multiple cutaneous and uterine leiomyomatosis; Cutaneous leiomyomata with uterine leiomyomata. Identifiers: Orphanet 523, MedGen C1708350, MONDO:0007888, OMIM 150800, HP:0007437. Disease mechanism: loss of function.

Submission:

Myriad Genetics, Inc.
Classification: Benign for Hereditary leiomyomatosis and renal cell cancer. Last evaluated: 2024-10-18. Review status: criteria provided, single submitter. Criteria: Myriad Autosomal Dominant, Autosomal Recessive and X-Linked Classification Criteria (2023). Collection method: clinical testing. Allele origin: unknown.
Comment: This variant is considered benign. This variant is intronic and is not expected to impact mRNA splicing.